The following is an entry in ClinVar:

NM_025215.6(PUS1):c.1237-243G>A

Gene: PUS1 (pseudouridine synthase 1; plus strand). Cytogenetic location: 12q24.33.
Variant type: single nucleotide variant.
Coding change: c.1237-243G>A on transcript NM_025215.6 (MANE Select); 243 bases into the intron before coding-DNA position 1237, G replaced by A.
Molecular consequence: intron variant.
Genome position (GRCh38, 1-based): chr12:131,943,296, G>A. VCF-style: chr12-131943296-G-A. GRCh37 (hg19) VCF-style: chr12-132427841-G-A.
Other names: c.1153-243G>A (NM_001002019.3, NM_001002020.3).
Identifiers: ClinVar variation 683630 (VCV000683630.2), dbSNP rs11837013, ClinGen allele CA13659096.

ClinVar aggregate classification (germline): Benign. Review status: criteria provided, multiple submitters, no conflicts (2 of 4 stars). 2 submissions from 2 submitters: Benign (2). Last evaluated 2018-06-16.

Allele frequency attached by ClinVar (database versions not stated): TOPMed 0.13090; gnomAD 0.13138 and 0.13747; 1000 Genomes Project 0.13558; 1000 Genomes Project 30x 0.13773.
gnomAD v4.1: 19,815 of 152,220 alleles (13%); highest among the groups gnomAD compares: African/African-American, 34%; 2,661 homozygotes.

Submissions (2):

GeneDx
Classification: Benign. Last evaluated: 2018-06-16. Review status: criteria provided, single submitter. Criteria: GeneDx Variant Classification (06012015). Collection method: clinical testing. Allele origin: germline. Affected: yes.
Comment: This variant is considered likely benign or benign based on one or more of the following criteria: it is a conservative change, it occurs at a poorly conserved position in the protein, it is predicted to be benign by multiple in silico algorithms, and/or has population frequency not consistent with disease.

Breakthrough Genomics
Classification: Benign. Review status: criteria provided, single submitter. Criteria: ACMG Guidelines, 2015. Collection method: not provided. Allele origin: germline. Inheritance: Autosomal recessive inheritance. Affected: yes.